The following is an entry in ClinVar:

ClinVar aggregate classification (germline): Uncertain significance (1 of 4 stars; one submission).

Submission:

GeneDx
Classification: Uncertain significance. Last evaluated: 2019-05-16. Review status: criteria provided, single submitter. Criteria: GeneDx Variant Classification Process June 2021. Collection method: clinical testing. Allele origin: germline. Affected: yes.
Comment: Not observed in large population cohorts (Lek et al., 2016); In silico analysis, which includes protein predictors and evolutionary conservation, supports a deleterious effect; Has not been previously published as pathogenic or benign to our knowledge

NM_016032.4(ZDHHC9):c.418T>C (p.Tyr140His)

Gene: ZDHHC9 (zinc finger DHHC-type palmitoyltransferase 9; minus strand). Cytogenetic location: Xq26.1.
Variant type: single nucleotide variant.
Coding change: c.418T>C on transcript NM_016032.4 (MANE Select); coding-DNA position 418, T replaced by C.
Protein change: p.Tyr140His; replaces tyrosine 140 with histidine.
Molecular consequence: missense variant.
Genome position (GRCh38, 1-based): chrX:129,823,748, A>G on the plus strand (T>C on the coding strand, the complement: ZDHHC9 is on the minus strand). VCF-style: chrX-129823748-A-G. GRCh37 (hg19) VCF-style: chrX-128957724-A-G.
Other names: c.418T>C, p.Tyr140His (NM_001008222.3); short protein forms Y140H.
Identifiers: ClinVar variation 1305769 (VCV001305769.2), dbSNP rs2124117253, ClinGen allele CA414590490.